The following is an entry in ClinVar:

NM_002471.4(MYH6):c.1292C>T (p.Ala431Val)

Gene: MYH6 (myosin heavy chain 6; minus strand). Cytogenetic location: 14q11.2.
Variant type: single nucleotide variant.
Coding change: c.1292C>T on transcript NM_002471.4 (MANE Select); coding-DNA position 1292, C replaced by T.
Protein change: p.Ala431Val; replaces alanine 431 with valine.
Molecular consequence: missense variant.
Genome position (GRCh38, 1-based): chr14:23,400,827, G>A on the plus strand (C>T on the coding strand, the complement: MYH6 is on the minus strand). VCF-style: chr14-23400827-G-A. GRCh37 (hg19) VCF-style: chr14-23870036-G-A.
Other names: short protein forms A431V.
Identifiers: ClinVar variation 1010401 (VCV001010401.13), dbSNP rs1286482909, ClinGen allele CA389023883.

ClinVar aggregate classification (germline): Uncertain significance. Review status: criteria provided, multiple submitters, no conflicts (2 of 4 stars). 3 submissions from 3 submitters: Uncertain significance (3). Last evaluated 2025-03-13.

Conditions:
Hypertrophic cardiomyopathy 14. Identifiers: MedGen C2750467, MONDO:0013197, OMIM 613251.

Allele frequency attached by ClinVar (database versions not stated): gnomAD 0.00001; TOPMed 0.00002.
gnomAD v4.1: 2 of 1,614,080 alleles (0.00012%); highest among the groups gnomAD compares: Non-Finnish European, 0.000085%; no homozygotes.

Submissions (3):

GeneDx
Classification: Uncertain significance. Last evaluated: 2025-03-13. Review status: criteria provided, single submitter. Criteria: GeneDx Variant Classification Process June 2021. Collection method: clinical testing. Allele origin: germline. Affected: yes.
Comment: Not observed at significant frequency in large population cohorts (gnomAD); In silico analysis supports that this missense variant has a deleterious effect on protein structure/function; Has not been previously published as pathogenic or benign to our knowledge

Blueprint Genetics
Classification: Uncertain significance. Last evaluated: 2024-02-22. Review status: criteria provided, single submitter. Criteria: ACMG Guidelines, 2015. Collection method: clinical testing. Allele origin: germline.

Labcorp Genetics (formerly Invitae), Labcorp
Classification: Uncertain significance for Hypertrophic cardiomyopathy 14. Last evaluated: 2023-01-29. Review status: criteria provided, single submitter. Criteria: Invitae Variant Classification Sherloc (09022015). Collection method: clinical testing. Allele origin: germline.
Comment: In summary, the available evidence is currently insufficient to determine the role of this variant in disease. Therefore, it has been classified as a Variant of Uncertain Significance. This sequence change replaces alanine, which is neutral and non-polar, with valine, which is neutral and non-polar, at codon 431 of the MYH6 protein (p.Ala431Val). This variant is not present in population databases (gnomAD no frequency). This variant has not been reported in the literature in individuals affected with MYH6-related conditions. ClinVar contains an entry for this variant (Variation ID: 1010401). Advanced modeling of protein sequence and biophysical properties (such as structural, functional, and spatial information, amino acid conservation, physicochemical variation, residue mobility, and thermodynamic stability) performed at Invitae indicates that this missense variant is expected to disrupt MYH6 protein function.